The following is an entry in ClinVar:

ClinVar aggregate classification (germline): Uncertain significance (1 of 4 stars; one submission).

Conditions:
Charcot-Marie-Tooth disease type 4. Also called: Charcot-Marie-Tooth, Type 4; Charcot-Marie-Tooth disease, type IV. Identifiers: Orphanet 64749, MedGen C4082197, MONDO:0018995.

Allele frequency attached by ClinVar (database versions not stated): gnomAD 0.00001; gnomAD exomes 0.00001; TOPMed 0.00001; ExAC 0.00002; ESP Exome Variant Server 0.00008.
gnomAD v4.1: 9 of 1,613,972 alleles (0.00056%); highest among the groups gnomAD compares: Non-Finnish European, 0.00076%; no homozygotes.

Submission:

Labcorp Genetics (formerly Invitae), Labcorp
Classification: Uncertain significance for Charcot-Marie-Tooth disease type 4. Last evaluated: 2022-03-18. Review status: criteria provided, single submitter. Criteria: Invitae Variant Classification Sherloc (09022015). Collection method: clinical testing. Allele origin: germline.
Comment: This sequence change replaces glutamine, which is neutral and polar, with lysine, which is basic and polar, at codon 788 of the SH3TC2 protein (p.Gln788Lys). This variant is present in population databases (rs148757553, gnomAD 0.003%). This variant has not been reported in the literature in individuals affected with SH3TC2-related conditions. Advanced modeling of protein sequence and biophysical properties (such as structural, functional, and spatial information, amino acid conservation, physicochemical variation, residue mobility, and thermodynamic stability) performed at Invitae indicates that this missense variant is not expected to disrupt SH3TC2 protein function. In summary, the available evidence is currently insufficient to determine the role of this variant in disease. Therefore, it has been classified as a Variant of Uncertain Significance.

NM_024577.4(SH3TC2):c.2362C>A (p.Gln788Lys)

Gene: SH3TC2 (SH3 domain and tetratricopeptide repeats 2; minus strand). Cytogenetic location: 5q32.
Variant type: single nucleotide variant.
Coding change: c.2362C>A on transcript NM_024577.4 (MANE Select); coding-DNA position 2362, C replaced by A.
Protein change: p.Gln788Lys; replaces glutamine 788 with lysine.
Molecular consequence: missense variant.
Genome position (GRCh38, 1-based): chr5:149,027,370, G>T on the plus strand (C>A on the coding strand, the complement: SH3TC2 is on the minus strand). VCF-style: chr5-149027370-G-T. GRCh37 (hg19) VCF-style: chr5-148406933-G-T.
Other names: short protein forms Q788K.
Identifiers: ClinVar variation 1987907 (VCV001987907.1), dbSNP rs148757553, ClinGen allele CA3499015.